The following is an entry in ClinVar:

NM_004937.3(CTNS):c.116C>T (p.Ser39Leu)

Gene: CTNS (cystinosin, lysosomal cystine transporter; plus strand). Cytogenetic location: 17p13.2.
Variant type: single nucleotide variant.
Coding change: c.116C>T on transcript NM_004937.3 (MANE Select); coding-DNA position 116, C replaced by T.
Protein change: p.Ser39Leu; replaces serine 39 with leucine.
Molecular consequence: missense variant. On other transcripts: 5 prime UTR variant (3), intron variant (1).
Genome position (GRCh38, 1-based): chr17:3,647,498, C>T. VCF-style: chr17-3647498-C-T. GRCh37 (hg19) VCF-style: chr17-3550792-C-T.
Other names: p.Ser39Leu; c.116C>T, p.Ser39Leu (NM_001031681.3, NM_001374492.1); c.-241C>T (NM_001374493.1, NM_001374496.1); c.-326C>T (NM_001374494.1); c.-217+7231C>T (NM_001374495.1); c.116C>T (NM_001031681.2); short protein forms S39L.
Identifiers: ClinVar variation 322836 (VCV000322836.64), dbSNP rs144751390, ClinGen allele CA8291557.
Genomic context (GRCh38, chr17:3,647,498, plus strand): 5'-TTCCAGAGTCAAGCGTCAGCCTCACTGTTCCTCCTGTCGTAAAGCTGGAGAACGGCAGCT[C>T]GACCAACGTCAGCCTCACCCTGCGGTAAGTTCCTGGGCCTGGCGCTGTGCTCAGCTCCGC-3'
Protein context (NP_004928.2, residues 29-49): PPVVKLENGS[Ser39Leu]TNVSLTLRPP

ClinVar aggregate classification (germline): Conflicting classifications of pathogenicity. Review status: criteria provided, conflicting classifications (1 of 4 stars). 12 submissions from 11 submitters: Uncertain significance (5); Benign (1); Likely benign (4). 2 of the submissions do not count toward it. Last evaluated 2026-09-01.

Conditions:
Nephropathic cystinosis (CTNS). Also called: Abderhalden Lignac Kaufmann disease; Abderhalden-Kaufmann-Lignac syndrome; CYSTINOSIN, DEFECT OF; LYSOSOMAL CYSTINE TRANSPORT PROTEIN, DEFECT OF. Identifiers: Orphanet 213, Orphanet 411629, MedGen C2931187, MONDO:0100151, OMIM 219800.
Cystinosis. Also called: Cystine diathesis; Cystine storage disease; Cystinoses. Identifiers: Orphanet 213, MedGen C4316899, MONDO:0016239.
Juvenile nephropathic cystinosis. Also called: CYSTINOSIS, LATE-ONSET JUVENILE OR ADOLESCENT NEPHROPATHIC TYPE; Later-Onset (Juvenile) Cystinosis; Intermediate Cystinosis. Identifiers: Orphanet 213, Orphanet 411634, MedGen C0268626, MONDO:0009066, OMIM 219900.
Inborn genetic diseases. Identifiers: MedGen C0950123, MeSH D030342.
Ocular cystinosis. Also called: Non-Nephropathic (Ocular) Cystinosis; Non-Nephropathic Cystinosis. Identifiers: Orphanet 213, Orphanet 411641, MedGen C2931013, MONDO:0009064, OMIM 219750.
CTNS-related disorder. Also called: CTNS-related condition.

Allele frequency attached by ClinVar (database versions not stated): 1000 Genomes Project 0.00080; 1000 Genomes Project 30x 0.00094; ExAC 0.00146; gnomAD exomes 0.00163 and 0.00273; gnomAD 0.00212 and 0.00219; ESP Exome Variant Server 0.00231; TOPMed 0.00250.
gnomAD v4.1: 4,298 of 1,614,128 alleles (0.27%); highest among the groups gnomAD compares: Admixed American, 0.39%; 15 homozygotes.

Submissions (12):

CeGaT Center for Human Genetics Tuebingen
Classification: Likely benign. Last evaluated: 2026-09-01. Review status: criteria provided, single submitter. Criteria: CeGaT Center For Human Genetics Tuebingen Variant Classification Criteria Version 2. Collection method: clinical testing. Allele origin: germline. Affected: yes. Observed: 4 variant alleles.
Comment: CTNS: BS2

Labcorp Genetics (formerly Invitae), Labcorp
Classification: Likely benign for Inborn genetic diseases; Ocular cystinosis; Juvenile nephropathic cystinosis. Last evaluated: 2026-02-02. Review status: criteria provided, single submitter. Criteria: Invitae Variant Classification Sherloc (09022015). Collection method: clinical testing. Allele origin: germline.

Mayo Clinic Laboratories, Mayo Clinic
Classification: Benign. Last evaluated: 2025-07-26. Review status: criteria provided, single submitter. Criteria: ACMG Guidelines, 2015. Collection method: clinical testing. Allele origin: germline. Observed: 1 variant allele.
Comment: BS1, BS2

Blueprint Genetics
Classification: Likely benign. Last evaluated: 2024-11-26. Review status: criteria provided, single submitter. Criteria: ACMG Guidelines, 2015. Collection method: clinical testing. Allele origin: germline.

ARUP Laboratories, Molecular Genetics and Genomics, ARUP Laboratories
Classification: Uncertain significance. Last evaluated: 2023-11-11. Review status: criteria provided, single submitter. Criteria: ARUP Molecular Germline Variant Investigation Process 2024. Collection method: clinical testing. Allele origin: germline.

GeneDx
Classification: Uncertain significance. Last evaluated: 2023-03-03. Review status: criteria provided, single submitter. Criteria: GeneDx Variant Classification Process June 2021. Collection method: clinical testing. Allele origin: germline. Affected: yes.
Comment: In silico analysis supports that this missense variant has a deleterious effect on protein structure/function; Has not been previously published as pathogenic or benign to our knowledge

Women's Health and Genetics/Laboratory Corporation of America, LabCorp
Classification: Likely benign. Last evaluated: 2022-05-23. Review status: criteria provided, single submitter. Criteria: LabCorp Variant Classification Summary - May 2015. Collection method: clinical testing. Allele origin: germline.
Comment: Variant summary: CTNS c.116C>T (p.Ser39Leu) results in a non-conservative amino acid change in the encoded protein sequence. Four of five in-silico tools predict a damaging effect of the variant on protein function. The variant allele was found at a frequency of 0.0022 in 150998 control chromosomes (gnomAD v 3.1, genomes dataset), including 3 homozygotes. The variant is observed predominantly within the Latino subpopulation at a frequency of 0.0065. The observed variant frequency within Latino control individuals in the gnomAD database is approximately 2.6 fold of the estimated maximal expected allele frequency for a pathogenic variant in CTNS causing Cystinosis phenotype (0.0025), strongly suggesting that the variant is a benign polymorphism. To our knowledge, no occurrence of c.116C>T in individuals affected with Cystinosis and no experimental evidence demonstrating its impact on protein function have been reported. Five clinical diagnostic laboratories have submitted clinical-significance assessments for this variant to ClinVar after 2014 without evidence for independent evaluation, and classified the variant as VUS (n=2) or likely benign (n=3). Based on the evidence outlined above, the variant was classified as likely benign.

Department of Pathology and Laboratory Medicine, Sinai Health System
Classification: Uncertain significance for cystinosis. Last evaluated: 2021-07-30. Review status: criteria provided, single submitter. Criteria: ACMG Guidelines, 2015. Collection method: research. Allele origin: germline.

Illumina Laboratory Services, Illumina
Classification: Uncertain significance for Nephropathic cystinosis. Last evaluated: 2018-01-12. Review status: criteria provided, single submitter. Criteria: ICSL Variant Classification Criteria 13 December 2019. Collection method: clinical testing. Allele origin: germline.

Illumina Laboratory Services, Illumina
Classification: Uncertain significance for Ocular cystinosis. Last evaluated: 2018-01-12. Review status: criteria provided, single submitter. Criteria: ICSL Variant Classification Criteria 13 December 2019. Collection method: clinical testing. Allele origin: germline.

PreventionGenetics, part of Exact Sciences
Classification: Likely benign for CTNS-related condition. Last evaluated: 2022-03-03. Review status: no assertion criteria provided. Collection method: clinical testing. Allele origin: germline. Not counted in ClinVar's aggregate classification.
Comment: This variant is classified as likely benign based on ACMG/AMP sequence variant interpretation guidelines (Richards et al. 2015 PMID: 25741868, with internal and published modifications).

Natera, Inc.
Classification: Likely benign for Cystinosis. Last evaluated: 2020-04-18. Review status: no assertion criteria provided. Collection method: clinical testing. Allele origin: germline. Not counted in ClinVar's aggregate classification.

Literature cited by the submitters: PubMed 36941667 (cited by Mayo Clinic Laboratories, Mayo Clinic).